The following is an entry in ClinVar:

NM_138694.4(PKHD1):c.11881C>T (p.Arg3961Ter)

Gene: PKHD1 (PKHD1 ciliary IPT domain containing fibrocystin/polyductin; minus strand). Cytogenetic location: 6p12.3.
Variant type: single nucleotide variant.
Coding change: c.11881C>T on transcript NM_138694.4 (MANE Select); coding-DNA position 11881, C replaced by T.
Protein change: p.Arg3961Ter; replaces arginine 3961 with a stop codon.
Molecular consequence: nonsense.
Genome position (GRCh38, 1-based): chr6:51,619,425, G>A on the plus strand (C>T on the coding strand, the complement: PKHD1 is on the minus strand). VCF-style: chr6-51619425-G-A. GRCh37 (hg19) VCF-style: chr6-51484223-G-A.
Other names: short protein forms R3961*.
Identifiers: ClinVar variation 551016 (VCV000551016.29), dbSNP rs144193508, ClinGen allele CA3850669.

ClinVar aggregate classification (germline): Pathogenic/Likely pathogenic. Review status: criteria provided, multiple submitters, no conflicts (2 of 4 stars). 11 submissions from 11 submitters: Pathogenic (3); Likely pathogenic (7). 1 of the submissions does not count toward it. Last evaluated 2025-10-23.

Conditions:
Autosomal recessive polycystic kidney disease (ARPKD). Also called: AR polycystic kidney disease. Identifiers: Orphanet 731, Orphanet 8378, MedGen C0085548, MeSH D017044, MONDO:0009889.
Polycystic kidney disease 4 (PKD4). Also called: POLYCYSTIC KIDNEY DISEASE 4 WITH OR WITHOUT POLYCYSTIC LIVER DISEASE; POLYCYSTIC KIDNEY AND HEPATIC DISEASE 1; POLYCYSTIC KIDNEY DISEASE, INFANTILE, TYPE I; PKD3; Autosomal Recessive Polycystic Kidney Disease – PKHD1. Identifiers: MedGen C4540575, MONDO:0033004, OMIM 263200.

Allele frequency attached by ClinVar (database versions not stated): gnomAD 0.00001; gnomAD exomes 0.00002 and 0.00004; ExAC 0.00003; TOPMed 0.00003; 1000 Genomes Project 0.00040; 1000 Genomes Project 30x 0.00047.
gnomAD v4.1: 67 of 1,613,672 alleles (0.0042%); highest among the groups gnomAD compares: Non-Finnish European, 0.0047%; no homozygotes.

Submissions (11):

Labcorp Genetics (formerly Invitae), Labcorp
Classification: Pathogenic for Autosomal recessive polycystic kidney disease. Last evaluated: 2025-10-23. Review status: criteria provided, single submitter. Criteria: Invitae Variant Classification Sherloc (09022015). Collection method: clinical testing. Allele origin: germline.
Comment: This sequence change creates a premature translational stop signal (p.Arg3961*) in the PKHD1 gene. While this is not anticipated to result in nonsense mediated decay, it is expected to disrupt the last 114 amino acid(s) of the PKHD1 protein. This variant is present in population databases (rs144193508, gnomAD 0.01%). This premature translational stop signal has been observed in individual(s) with polycystic kidney disease (PMID: 34536170; internal data). In at least one individual the data is consistent with being in trans (on the opposite chromosome) from a pathogenic variant. It has also been observed to segregate with disease in related individuals. ClinVar contains an entry for this variant (Variation ID: 551016). This variant disrupts a region of the PKHD1 protein in which other variant(s) (p.Pro3968Leufs*70) have been observed in individuals with PKHD1-related conditions (PMID: 33940108). This suggests that this is a clinically significant region of the protein, and that variants that disrupt it are likely to be disease-causing. For these reasons, this variant has been classified as Pathogenic.

Natera, Inc.
Classification: Pathogenic for Autosomal recessive polycystic kidney disease. Last evaluated: 2025-10-20. Review status: criteria provided, single submitter. Criteria: Natera Variant Classification Schema (03/2026). Collection method: clinical testing. Allele origin: germline.
Comment: The c.11881C>T variant in PKHD1 is a nonsense variant predicted to introduce a stop codon at amino acid 3961. This variant is expected to result in nonsense mediated decay, truncation, or a dysfunctional protein product. This variant is rare in the general population with a frequency below the threshold expected for the associated phenotype(s). This variant has been observed in one or more individuals affected with the associated recessive disease, as either homozygous or compound heterozygous with a second variant (PMID: 32040628, 34536170, 39731278). Additionally, this variant has been observed to segregate in affected family members (PMID: 34536170). Given the available evidence, this variant is classified as Pathogenic.

GeneDx
Classification: Likely pathogenic. Last evaluated: 2025-10-08. Review status: criteria provided, single submitter. Criteria: GeneDx Variant Classification Process June 2021. Collection method: clinical testing. Allele origin: germline. Affected: yes.
Comment: Observed multiple times with a pathogenic variant in unrelated patients in published literature, but it is not known whether the variants occurred on the same (in cis) or on different (in trans) alleles in all cases (PMID: 39473742, 39731278); Nonsense variant predicted to result in protein truncation, as the last 114 amino acids are lost, and other loss-of-function variants have been reported downstream in HGMD; Not observed at significant frequency in large population cohorts (gnomAD); This variant is associated with the following publications: (PMID: 22034641, 30275481, 32040628, 39731278, 39473742, 34536170)

Clinical Genetics Laboratory, Skane University Hospital Lund
Classification: Likely pathogenic for Autosomal recessive polycystic kidney disease. Last evaluated: 2025-08-18. Review status: criteria provided, single submitter. Criteria: ACMG Guidelines, 2015. Collection method: clinical testing. Allele origin: germline. Affected: yes.
Comment: PVS1_Moderate, PM2, PM3

Myriad Genetics, Inc.
Classification: Likely pathogenic for Polycystic kidney disease 4. Last evaluated: 2025-02-27. Review status: criteria provided, single submitter. Criteria: Myriad Autosomal Dominant, Autosomal Recessive and X-Linked Classification Criteria (2023). Collection method: clinical testing. Allele origin: unknown.
Comment: NM_138694.3(PKHD1):c.11881C>T(R3961*) is a nonsense variant classified as likely pathogenic in the context of autosomal recessive polycystic kidney disease, PKHD1-related. R3961* has been observed in cases with relevant disease (PMID: 32040628, 39473742, 34536170). Relevant functional assessments of this variant are not available in the literature. R3961* has been observed in referenced population frequency databases. In summary, NM_138694.3(PKHD1):c.11881C>T(R3961*) is a nonsense variant that has been observed more frequently in cases with the relevant disease than in healthy populations. Please note: this variant was assessed in the context of healthy population screening.

Victorian Clinical Genetics Services, Murdoch Childrens Research Institute
Classification: Likely pathogenic for Polycystic kidney disease 4. Last evaluated: 2025-02-20. Review status: criteria provided, single submitter. Criteria: ACMG Guidelines, 2015. Collection method: clinical testing. Allele origin: germline. Affected: yes.
Comment: This variant is classified as Likely pathogenic. Evidence in support of pathogenic classification: Variant is predicted to result in a truncated protein with less than 1/3 of the protein affected; Variant is present in gnomAD <0.01 for a recessive condition (v4: 67 heterozygote(s), 0 homozygote(s)); This variant has strong previous evidence of pathogenicity in unrelated individuals. This variant has been classified as pathogenic and likely pathogenic multiple times by clinical laboratories (ClinVar). This variant has been reported in a compound heterozygous state in individuals with autosomal recessive polycystic kidney disease (ARPKD; PMIDs: 39473742, 34536170, 39731278). Additionally, this variant has been reported in a heterozygous state in an individual with polycystic kidney disease without a known second variant (PMID: 39473742); Heterozygous variant detected in trans with a second PATHOGENIC heterozygous variant (NM_138694.4(PKHD1):c.10109dup; p.(Phe3371Ilefs*3)) in a recessive disease. Additional information: This variant is heterozygous; This gene is associated with autosomal recessive disease; however, there are emerging reports of heterozygous carriers of PKHD1 variants developing liver cysts and nephrocalcinosis (PMID: 21945273, 36691356); Segregation evidence for this variant is inconclusive. This variant has been reported in a compound heterozygous state in siblings with kidney dysfunction (PMID: 34536170); No published functional evidence has been identified for this variant; Other protein truncating variants comparable to the one identified in this case have inconclusive previous evidence for pathogenicity. Multiple clinical laboratories have classified other downstream protein truncating variants as VUS with limited information (ClinVar). The c.12142C>T; Variant is not located in an established domain, motif, hotspot or informative constraint region; Loss of function is a known mechanism of disease in this gene and is associated with polycystic kidney disease 4, with or without hepatic disease (MIM#263200); Variants in this gene are known to have variable expressivity. Significant intrafamilial variability has been reported (PMID: 20301501).

Baylor Genetics
Classification: Pathogenic for Polycystic kidney disease 4. Last evaluated: 2024-03-08. Review status: criteria provided, single submitter. Criteria: ACMG Guidelines, 2015. Collection method: clinical testing. Allele origin: unknown.

Fulgent Genetics
Classification: Likely pathogenic for Polycystic kidney disease 4. Last evaluated: 2024-03-04. Review status: criteria provided, single submitter. Criteria: ACMG Guidelines, 2015. Collection method: clinical testing. Allele origin: germline.

Revvity Omics, Revvity
Classification: Likely pathogenic for Polycystic kidney disease 4. Last evaluated: 2019-09-11. Review status: criteria provided, single submitter. Criteria: ACMG Guidelines, 2015. Collection method: clinical testing. Allele origin: germline.

Molecular Diagnostics Laboratory, M Health Fairview: University of Minnesota
Classification: Likely pathogenic for Polycystic kidney disease 4. Last evaluated: 2017-09-06. Review status: criteria provided, single submitter. Criteria: ACMG Guidelines, 2015. Collection method: clinical testing. Allele origin: germline. Affected: yes. Observed: 1 variant allele.

Counsyl
Classification: Uncertain significance for Polycystic kidney disease 4. Last evaluated: 2017-03-07. Review status: no assertion criteria provided. Collection method: clinical testing. Allele origin: unknown. Not counted in ClinVar's aggregate classification.

Literature cited by the submitters: PubMed 34536170 (cited by 4 submitters); PubMed 33940108 (cited by Labcorp Genetics (formerly Invitae), Labcorp); PubMed 32040628 (cited by Natera, Inc. and Myriad Genetics, Inc.); PubMed 39731278 (cited by Natera, Inc. and Victorian Clinical Genetics Services, Murdoch Childrens Research Institute); PubMed 39473742 (cited by Myriad Genetics, Inc. and Victorian Clinical Genetics Services, Murdoch Childrens Research Institute); PubMed 36691356 (cited by Victorian Clinical Genetics Services, Murdoch Childrens Research Institute); PubMed 20301501 (cited by Victorian Clinical Genetics Services, Murdoch Childrens Research Institute); PubMed 28375157 (cited by Victorian Clinical Genetics Services, Murdoch Childrens Research Institute); PubMed 21945273 (cited by Victorian Clinical Genetics Services, Murdoch Childrens Research Institute); PubMed 22034641 (cited by Molecular Diagnostics Laboratory, M Health Fairview: University of Minnesota).